The following is an entry in ClinVar:

ClinVar aggregate classification (germline): Uncertain significance (1 of 4 stars; one submission).

Allele frequency attached by ClinVar (database versions not stated): gnomAD exomes 0.00001 and 0.00003; ExAC 0.00002; gnomAD 0.00002; TOPMed 0.00006; ESP Exome Variant Server 0.00008.
gnomAD v4.1: 14 of 1,613,760 alleles (0.00087%); highest among the groups gnomAD compares: African/African-American, 0.011%; no homozygotes.

Submission:

Labcorp Genetics (formerly Invitae), Labcorp
Classification: Uncertain significance. Last evaluated: 2021-08-31. Review status: criteria provided, single submitter. Criteria: Invitae Variant Classification Sherloc (09022015). Collection method: clinical testing. Allele origin: germline.
Comment: This sequence change replaces arginine with cysteine at codon 460 of the OBSL1 protein (p.Arg460Cys). The arginine residue is weakly conserved and there is a large physicochemical difference between arginine and cysteine. This variant is present in population databases (rs369529642, ExAC 0.03%). This variant has not been reported in the literature in individuals affected with OBSL1-related conditions. Algorithms developed to predict the effect of missense changes on protein structure and function output the following: SIFT: "Tolerated"; PolyPhen-2: "Benign"; Align-GVGD: "Class C0". The cysteine amino acid residue is found in multiple mammalian species, which suggests that this missense change does not adversely affect protein function. In summary, the available evidence is currently insufficient to determine the role of this variant in disease. Therefore, it has been classified as a Variant of Uncertain Significance.

NM_015311.3(OBSL1):c.1378C>T (p.Arg460Cys)

Gene: OBSL1 (obscurin like cytoskeletal adaptor 1; minus strand). Cytogenetic location: 2q35.
Variant type: single nucleotide variant.
Coding change: c.1378C>T on transcript NM_015311.3 (MANE Select); coding-DNA position 1378, C replaced by T.
Protein change: p.Arg460Cys; replaces arginine 460 with cysteine.
Molecular consequence: missense variant.
Genome position (GRCh38, 1-based): chr2:219,567,874, G>A on the plus strand (C>T on the coding strand, the complement: OBSL1 is on the minus strand). VCF-style: chr2-219567874-G-A. GRCh37 (hg19) VCF-style: chr2-220432596-G-A.
Other names: c.1378C>T, p.Arg460Cys (NM_001173408.2, NM_001173431.2); short protein forms R460C.
Identifiers: ClinVar variation 1044584 (VCV001044584.6), dbSNP rs369529642, ClinGen allele CA2131543.